The following is an entry in ClinVar:

NM_002109.6(HARS1):c.1009G>A (p.Glu337Lys)

Gene: HARS1 (histidyl-tRNA synthetase 1; minus strand). Cytogenetic location: 5q31.3.
Variant type: single nucleotide variant.
Coding change: c.1009G>A on transcript NM_002109.6 (MANE Select); coding-DNA position 1009, G replaced by A.
Protein change: p.Glu337Lys; replaces glutamic acid 337 with lysine.
Molecular consequence: missense variant.
Genome position (GRCh38, 1-based): chr5:140,676,839, C>T on the plus strand (G>A on the coding strand, the complement: HARS1 is on the minus strand). VCF-style: chr5-140676839-C-T. GRCh37 (hg19) VCF-style: chr5-140056424-C-T.
Other names: c.889G>A, p.Glu297Lys (NM_001258040.3); c.949G>A, p.Glu317Lys (NM_001258041.3); c.829G>A, p.Glu277Lys (NM_001258042.3); c.787G>A, p.Glu263Lys (NM_001289092.2); c.667G>A, p.Glu223Lys (NM_001289093.2); c.922G>A, p.Glu308Lys (NM_001289094.2); short protein forms E223K, E263K, E337K, E297K, E277K, E308K, E317K.
Identifiers: ClinVar variation 851296 (VCV000851296.9), dbSNP rs1370029240, ClinGen allele CA361251757.

ClinVar aggregate classification (germline): Uncertain significance (1 of 4 stars; one submission).

Conditions:
Usher syndrome type 3B. Also called: USHER SYNDROME, TYPE IIIB. Identifiers: MedGen C3281066, MONDO:0013788, OMIM 614504.

Submission:

Labcorp Genetics (formerly Invitae), Labcorp
Classification: Uncertain significance for Usher syndrome type 3B. Last evaluated: 2019-01-25. Review status: criteria provided, single submitter. Criteria: Invitae Variant Classification Sherloc (09022015). Collection method: clinical testing. Allele origin: germline.
Comment: In summary, the available evidence is currently insufficient to determine the role of this variant in disease. Therefore, it has been classified as a Variant of Uncertain Significance. Algorithms developed to predict the effect of missense changes on protein structure and function are either unavailable or do not agree on the potential impact of this missense change (SIFT: "Deleterious"; PolyPhen-2: "Probably Damaging"; Align-GVGD: "Class C0"). This variant has not been reported in the literature in individuals with HARS-related conditions. This variant is not present in population databases (ExAC no frequency). This sequence change replaces glutamic acid with lysine at codon 337 of the HARS protein (p.Glu337Lys). The glutamic acid residue is highly conserved and there is a small physicochemical difference between glutamic acid and lysine.